The following is an entry in ClinVar:

ClinVar aggregate classification (germline): Likely benign (1 of 4 stars; one submission).

Allele frequency attached by ClinVar (database versions not stated): 1000 Genomes Project 0.00319; 1000 Genomes Project 30x 0.00453; TOPMed 0.00579; gnomAD 0.00649 and 0.00661.
gnomAD v4.1: 999 of 152,224 alleles (0.66%); highest among the groups gnomAD compares: Non-Finnish European, 1%; 5 homozygotes.

Submission:

GeneDx
Classification: Likely benign. Last evaluated: 2018-06-14. Review status: criteria provided, single submitter. Criteria: GeneDx Variant Classification (06012015). Collection method: clinical testing. Allele origin: germline. Affected: yes.
Comment: This variant is considered likely benign or benign based on one or more of the following criteria: it is a conservative change, it occurs at a poorly conserved position in the protein, it is predicted to be benign by multiple in silico algorithms, and/or has population frequency not consistent with disease.

NM_030962.4(SBF2):c.1296+296A>G

Gene: SBF2 (SET binding factor 2; minus strand). Cytogenetic location: 11p15.4.
Variant type: single nucleotide variant.
Coding change: c.1296+296A>G on transcript NM_030962.4 (MANE Select); 296 bases into the intron after coding-DNA position 1296, A replaced by G.
Molecular consequence: intron variant.
Genome position (GRCh38, 1-based): chr11:9,992,119, T>C on the plus strand (A>G on the coding strand, the complement: SBF2 is on the minus strand). VCF-style: chr11-9992119-T-C. GRCh37 (hg19) VCF-style: chr11-10013666-T-C.
Other names: c.1167+871A>G (NM_001386342.1); c.1296+296A>G (NM_001386339.1).
Identifiers: ClinVar variation 673617 (VCV000673617.1), dbSNP rs182844619, ClinGen allele CA217649265.